The following is an entry in ClinVar:

NM_001048174.2(MUTYH):c.866T>C (p.Leu289Pro)

Gene: MUTYH (mutY DNA glycosylase; minus strand). Cytogenetic location: 1p34.1.
Variant type: single nucleotide variant.
Coding change: c.866T>C on transcript NM_001048174.2 (MANE Select); coding-DNA position 866, T replaced by C.
Protein change: p.Leu289Pro; replaces leucine 289 with proline.
Molecular consequence: missense variant. On other transcripts: non-coding transcript variant (2).
Genome position (GRCh38, 1-based): chr1:45,332,070, A>G on the plus strand (T>C on the coding strand, the complement: MUTYH is on the minus strand). VCF-style: chr1-45332070-A-G. GRCh37 (hg19) VCF-style: chr1-45797742-A-G.
Other names: c.866T>C, p.Leu289Pro (NM_001048171.2, NM_001048173.2, NM_001293195.2); c.869T>C, p.Leu290Pro (NM_001048172.2); c.950T>C, p.Leu317Pro (NM_001128425.2); c.911T>C, p.Leu304Pro (NM_001293190.2); c.899T>C, p.Leu300Pro (NM_001293191.2); c.590T>C, p.Leu197Pro (NM_001293192.2, NM_001293196.2); c.521T>C, p.Leu174Pro (NM_001350650.2, NM_001350651.2); c.941T>C, p.Leu314Pro (NM_012222.3); short protein forms L317P, L290P, L197P, L300P, L289P, L304P, L314P, L174P.
Identifiers: ClinVar variation 238355 (VCV000238355.24), dbSNP rs878854195, ClinGen allele CA10581806.

ClinVar aggregate classification (germline): Conflicting classifications of pathogenicity. Review status: criteria provided, conflicting classifications (1 of 4 stars). 6 submissions from 6 submitters: Uncertain significance (5); Benign (1). Last evaluated 2025-09-09.

Conditions:
Familial adenomatous polyposis 2. Also called: MYH-associated polyposis; FAP type 2; MUTYH Polyposis; ADENOMAS, MULTIPLE COLORECTAL, AUTOSOMAL RECESSIVE; MUTYH-associated polyposis; COLORECTAL ADENOMATOUS POLYPOSIS, AUTOSOMAL RECESSIVE. Identifiers: Orphanet 220460, Orphanet 247798, MedGen C3272841, MONDO:0012041, OMIM 608456.
Hereditary cancer-predisposing syndrome. Also called: Hereditary Cancer Syndrome; Tumor predisposition; Hereditary neoplastic syndrome; Neoplastic Syndromes, Hereditary. Identifiers: Orphanet 140162, MedGen C0027672, MeSH D009386, MONDO:0015356.

Allele frequency attached by ClinVar (database versions not stated): TOPMed below 0.00001.
gnomAD v4.1: 2 of 1,614,160 alleles (0.00012%); highest among the groups gnomAD compares: Non-Finnish European, 0.00017%; no homozygotes.

Submissions (6):

Ambry Genetics
Classification: Benign for Hereditary cancer-predisposing syndrome. Last evaluated: 2025-09-09. Review status: criteria provided, single submitter. Criteria: Ambry Variant Classification Scheme 2023. Collection method: clinical testing. Allele origin: germline.

Hema, HEMA – Genetic and Molecular Diagnostic Laboratory
Classification: Uncertain significance for Familial adenomatous polyposis 2. Last evaluated: 2024-11-12. Review status: criteria provided, single submitter. Criteria: HEMA Variant Classification Assertion Criteria. Collection method: clinical testing. Allele origin: germline.
Comment: It is a transition from adenine to guanine, resulting in the substitution of leucine 289 with proline. PM2_Supporting: Present at very low frequency in gnomAD. BP4: The computational metapredictor REVEL score = 0.207 ≤ 0.290, indicating that the variant is not likely to have an effect on the MUTYH protein.

Labcorp Genetics (formerly Invitae), Labcorp
Classification: Uncertain significance for Familial adenomatous polyposis 2. Last evaluated: 2024-03-13. Review status: criteria provided, single submitter. Criteria: Invitae Variant Classification Sherloc (09022015). Collection method: clinical testing. Allele origin: germline.
Comment: This sequence change replaces leucine, which is neutral and non-polar, with proline, which is neutral and non-polar, at codon 317 of the MUTYH protein (p.Leu317Pro). This variant is not present in population databases (gnomAD no frequency). This variant has not been reported in the literature in individuals affected with MUTYH-related conditions. ClinVar contains an entry for this variant (Variation ID: 238355). Algorithms developed to predict the effect of missense changes on protein structure and function output the following: SIFT: "Not Available"; PolyPhen-2: "Benign"; Align-GVGD: "Not Available". The proline amino acid residue is found in multiple mammalian species, which suggests that this missense change does not adversely affect protein function. In summary, the available evidence is currently insufficient to determine the role of this variant in disease. Therefore, it has been classified as a Variant of Uncertain Significance.

All of Us Research Program, National Institutes of Health
Classification: Uncertain significance for Familial adenomatous polyposis 2. Last evaluated: 2023-10-02. Review status: criteria provided, single submitter. Criteria: ACMG Guidelines, 2015. Collection method: clinical testing. Allele origin: germline. Inheritance: Autosomal recessive inheritance. Observed: 2 variant alleles, 2 heterozygotes.
Comment: This missense variant replaces leucine with proline at codon 317 of the MUTYH protein. Computational prediction suggests that this variant may not impact protein structure and function (internally defined REVEL score threshold <= 0.5, PMID: 27666373). To our knowledge, functional studies have not been reported for this variant. This variant has not been reported in individuals affected with MUTYH-related disorders in the literature. This variant has not been identified in the general population by the Genome Aggregation Database (gnomAD). The available evidence is insufficient to determine the role of this variant in disease conclusively. Therefore, this variant is classified as a Variant of Uncertain Significance.

This study involves interpretation of variants in research participants for the purpose of population health screening. Participant phenotype was not available at the time of variant classification. Additional details can be found in publication PMID: 35346344, PMCID: PMC8962531

Color Diagnostics, LLC DBA Color Health
Classification: Uncertain significance for Hereditary cancer-predisposing syndrome. Last evaluated: 2023-09-08. Review status: criteria provided, single submitter. Criteria: ACMG Guidelines, 2015. Collection method: clinical testing. Allele origin: germline.
Comment: This missense variant replaces leucine with proline at codon 317 of the MUTYH protein. Computational prediction suggests that this variant may not impact protein structure and function (internally defined REVEL score threshold <= 0.5, PMID: 27666373). To our knowledge, functional studies have not been reported for this variant. This variant has not been reported in individuals affected with MUTYH-related disorders in the literature. This variant has not been identified in the general population by the Genome Aggregation Database (gnomAD). The available evidence is insufficient to determine the role of this variant in disease conclusively. Therefore, this variant is classified as a Variant of Uncertain Significance.

GeneDx
Classification: Uncertain significance. Last evaluated: 2019-10-16. Review status: criteria provided, single submitter. Criteria: GeneDx Variant Classification Process June 2021. Collection method: clinical testing. Allele origin: germline. Affected: yes.
Comment: Not observed in large population cohorts (Lek 2016); In silico analysis, which includes protein predictors and evolutionary conservation, supports that this variant does not alter protein structure/function; Observed in an individual undergoing multi-gene panel testing due to an unspecified personal and/or family history of cancer (Cabanillas 2017); This variant is associated with the following publications: (PMID: 28717660)